The following is an entry in ClinVar:

NM_021930.6(RINT1):c.538A>T (p.Met180Leu)

Gene: RINT1 (RAD50 interactor 1; plus strand). Cytogenetic location: 7q22.3.
Variant type: single nucleotide variant.
Coding change: c.538A>T on transcript NM_021930.6 (MANE Select); coding-DNA position 538, A replaced by T.
Protein change: p.Met180Leu; replaces methionine 180 with leucine.
Molecular consequence: missense variant. On other transcripts: 5 prime UTR variant (2), non-coding transcript variant (1), intron variant (1).
Genome position (GRCh38, 1-based): chr7:105,546,932, A>T. VCF-style: chr7-105546932-A-T. GRCh37 (hg19) VCF-style: chr7-105187379-A-T.
Other names: c.304A>T, p.Met102Leu (NM_001346599.2); c.-482A>T (NM_001346600.2); c.-385A>T (NM_001346601.2); c.-27-3123A>T (NM_001346603.2); short protein forms M180L, M102L.
Identifiers: ClinVar variation 3314420 (VCV003314420.1).
Genomic context (GRCh38, chr7:105,546,932, plus strand): 5'-CTCAAAAGAAAAAAAAATTTGCTTTACTTTGTTTACAGTGATAACATTCAGCAATATCTG[A>T]TGACCAATAATGTACCGGAGGCAGCCTCCACTCTAGTGTCTATGGCAGAACTTGACATTA-3'
Protein context (NP_068749.3, residues 170-190): ELSDNIQQYL[Met180Leu]TNNVPEAAST

ClinVar aggregate classification (germline): Uncertain significance (1 of 4 stars; one submission).

Submission:

Ambry Genetics
Classification: Uncertain significance. Last evaluated: 2024-03-19. Review status: criteria provided, single submitter. Criteria: Ambry Variant Classification Scheme 2023. Collection method: clinical testing. Allele origin: germline.
Comment: The p.M180L variant (also known as c.538A>T), located in coding exon 5 of the RINT1 gene, results from an A to T substitution at nucleotide position 538. The methionine at codon 180 is replaced by leucine, an amino acid with highly similar properties. This amino acid position is conserved. In addition, this alteration is predicted to be tolerated by in silico analysis. Based on the available evidence, the clinical significance of this alteration remains unclear.